The following is an entry in ClinVar:

NM_022114.4(PRDM16):c.316G>A (p.Ala106Thr)

Gene: PRDM16 (PR/SET domain 16; plus strand). Cytogenetic location: 1p36.32.
Variant type: single nucleotide variant.
Coding change: c.316G>A on transcript NM_022114.4 (MANE Select); coding-DNA position 316, G replaced by A.
Protein change: p.Ala106Thr; replaces alanine 106 with threonine.
Molecular consequence: missense variant.
Genome position (GRCh38, 1-based): chr1:3,186,403, G>A. VCF-style: chr1-3186403-G-A. GRCh37 (hg19) VCF-style: chr1-3102967-G-A.
Other names: c.316G>A, p.Ala106Thr (NM_199454.3); c.316G>A (NM_022114.3); short protein forms A106T.
Identifiers: ClinVar variation 1428071 (VCV001428071.9), dbSNP rs766897178, ClinGen allele CA543740.

ClinVar aggregate classification (germline): Uncertain significance. Review status: criteria provided, multiple submitters, no conflicts (2 of 4 stars). 2 submissions from 2 submitters: Uncertain significance (2). Last evaluated 2025-08-10.

Conditions:
Left ventricular noncompaction 8 (LVNC8). Identifiers: Orphanet 154, Orphanet 54260, MedGen C3809288, MONDO:0014152, OMIM 615373.

Allele frequency attached by ClinVar (database versions not stated): gnomAD exomes below 0.00001 and 0.00001; ExAC 0.00001; gnomAD 0.00003 and 0.00004; TOPMed 0.00003.
gnomAD v4.1: 8 of 1,602,612 alleles (0.0005%); highest among the groups gnomAD compares: African/African-American, 0.0013%; no homozygotes.

Submissions (2):

Labcorp Genetics (formerly Invitae), Labcorp
Classification: Uncertain significance for Left ventricular noncompaction 8. Last evaluated: 2025-08-10. Review status: criteria provided, single submitter. Criteria: Invitae Variant Classification Sherloc (09022015). Collection method: clinical testing. Allele origin: germline.
Comment: This sequence change replaces alanine, which is neutral and non-polar, with threonine, which is neutral and polar, at codon 106 of the PRDM16 protein (p.Ala106Thr). The frequency data for this variant in the population databases is considered unreliable, as metrics indicate poor data quality at this position in the gnomAD database. This variant has not been reported in the literature in individuals affected with PRDM16-related conditions. ClinVar contains an entry for this variant (Variation ID: 1428071). An algorithm developed to predict the effect of missense changes on protein structure and function (PolyPhen-2) suggests that this variant is likely to be tolerated. In summary, the available evidence is currently insufficient to determine the role of this variant in disease. Therefore, it has been classified as a Variant of Uncertain Significance.

GeneDx
Classification: Uncertain significance. Last evaluated: 2024-03-11. Review status: criteria provided, single submitter. Criteria: GeneDx Variant Classification Process June 2021. Collection method: clinical testing. Allele origin: germline. Affected: yes.
Comment: Has not been previously published as pathogenic or benign to our knowledge; Not observed at significant frequency in large population cohorts (gnomAD); In silico analysis supports that this missense variant does not alter protein structure/function